The following is an entry in ClinVar:

NM_001379270.1(CNGA1):c.1648G>A (p.Gly550Arg)

Genes: CNGA1 (cyclic nucleotide gated channel subunit alpha 1; minus strand), LOC101927157 (uncharacterized LOC101927157; plus strand). Cytogenetic location: 4p12.
Variant type: single nucleotide variant.
Coding change: c.1648G>A on transcript NM_001379270.1 (MANE Select); coding-DNA position 1648, G replaced by A.
Protein change: p.Gly550Arg; replaces glycine 550 with arginine.
Molecular consequence: missense variant.
Genome position (GRCh38, 1-based): chr4:47,936,834, C>T on the plus strand (G>A on the coding strand, the complement: CNGA1 is on the minus strand). VCF-style: chr4-47936834-C-T. GRCh37 (hg19) VCF-style: chr4-47938851-C-T.
Other names: c.1648G>A, p.Gly550Arg (NM_000087.5, NM_001142564.2); short protein forms G550R.
Identifiers: ClinVar variation 862169 (VCV000862169.9), dbSNP rs1738677183, ClinGen allele CA356824686.

ClinVar aggregate classification (germline): Uncertain significance (1 of 4 stars; one submission).

Allele frequency attached by ClinVar (database versions not stated): gnomAD exomes below 0.00001.
gnomAD v4.1: 1 of 1,614,102 alleles (0.000062%); highest among the groups gnomAD compares: Non-Finnish European, 0.000085%; no homozygotes.

Submission:

Labcorp Genetics (formerly Invitae), Labcorp
Classification: Uncertain significance. Last evaluated: 2022-03-10. Review status: criteria provided, single submitter. Criteria: Invitae Variant Classification Sherloc (09022015). Collection method: clinical testing. Allele origin: germline.
Comment: In summary, the available evidence is currently insufficient to determine the role of this variant in disease. Therefore, it has been classified as a Variant of Uncertain Significance. Algorithms developed to predict the effect of sequence changes on RNA splicing suggest that this variant may create or strengthen a splice site. Algorithms developed to predict the effect of missense changes on protein structure and function are either unavailable or do not agree on the potential impact of this missense change (SIFT: "Deleterious"; PolyPhen-2: "Probably Damaging"; Align-GVGD: "Class C15"). ClinVar contains an entry for this variant (Variation ID: 862169). This variant has not been reported in the literature in individuals affected with CNGA1-related conditions. This variant is not present in population databases (gnomAD no frequency). This sequence change replaces glycine, which is neutral and non-polar, with arginine, which is basic and polar, at codon 554 of the CNGA1 protein (p.Gly554Arg).